The following is an entry in ClinVar:

NM_001254.4(CDC6):c.920_927del (p.Ser307fs)

Gene: CDC6 (cell division cycle 6; plus strand). Cytogenetic location: 17q21.2.
Variant type: Deletion.
Coding change: c.920_927del on transcript NM_001254.4 (MANE Select); coding-DNA positions 920 to 927, 8 bases deleted (GCAATTCT; older notation c.920_927delGCAATTCT).
Protein change: p.Ser307fs; shifts the reading frame from serine 307.
Molecular consequence: frameshift variant.
Genome position (GRCh38, 1-based): chr17:40,294,033-40,294,040, GCAATTCT deleted. VCF-style (leftmost placement, unchanged base first): chr17-40294032-AGCAATTCT-A. GRCh37 (hg19) VCF-style: chr17-38450284-AGCAATTCT-A.
Other names: short protein forms S307fs.
Identifiers: ClinVar variation 4723735 (VCV004723735.1).

ClinVar aggregate classification (germline): Uncertain significance (1 of 4 stars; one submission).

Submission:

Labcorp Genetics (formerly Invitae), Labcorp
Classification: Uncertain significance. Last evaluated: 2025-07-22. Review status: criteria provided, single submitter. Criteria: Invitae Variant Classification Sherloc (09022015). Collection method: clinical testing. Allele origin: germline.
Comment: This sequence change creates a premature translational stop signal (p.Ser307Thrfs*9) in the CDC6 gene. It is expected to result in an absent or disrupted protein product. However, the current clinical and genetic evidence is not sufficient to establish whether loss-of-function variants in CDC6 cause disease. This variant is not present in population databases (gnomAD no frequency). This variant has not been reported in the literature in individuals affected with CDC6-related conditions. In summary, the available evidence is currently insufficient to determine the role of this variant in disease. Therefore, it has been classified as a Variant of Uncertain Significance.